The following is an entry in ClinVar:

NM_017534.6(MYH2):c.3958G>A (p.Glu1320Lys)

Genes: MYHAS (myosin heavy chain gene cluster antisense RNA; plus strand), MYH2 (myosin heavy chain 2; minus strand). Cytogenetic location: 17p13.1.
Variant type: single nucleotide variant.
Coding change: c.3958G>A on transcript NM_017534.6 (MANE Select); coding-DNA position 3958, G replaced by A.
Protein change: p.Glu1320Lys; replaces glutamic acid 1320 with lysine.
Molecular consequence: missense variant.
Genome position (GRCh38, 1-based): chr17:10,526,970, C>T on the plus strand (G>A on the coding strand, the complement: MYH2 is on the minus strand). VCF-style: chr17-10526970-C-T. GRCh37 (hg19) VCF-style: chr17-10430287-C-T.
Other names: c.3958G>A, p.Glu1320Lys (NM_001100112.2); short protein forms E1320K.
Identifiers: ClinVar variation 1941219 (VCV001941219.5), dbSNP rs141370980, ClinGen allele CA287737794.
Genomic context (GRCh38, chr17:10,526,970, plus strand): 5'-AAAAAATCAGTCTTAGAATCATAATTACTTTTATCTCCTCTTCAAGTTGCCTCTTTAATT[C>T]TTCAATCTGTTGAGTAAAGGCTTGTTTGCCTCTTGATAACTGAGACACCAGAGCTTCCTT-3'
Protein context (NP_060004.3, residues 1310-1330): GKQAFTQQIE[Glu1320Lys]LKRQLEEEIK

ClinVar aggregate classification (germline): Uncertain significance (1 of 4 stars; one submission).

Conditions:
Myopathy, proximal, and ophthalmoplegia (CMYO6). Also called: MYOPATHY WITH CONGENITAL JOINT CONTRACTURES, OPHTHALMOPLEGIA, AND RIMMED VACUOLES; CONGENITAL MYOPATHY 6 WITH OPHTHALMOPLEGIA; INCLUSION BODY MYOPATHY 3, AUTOSOMAL DOMINANT. Identifiers: Orphanet 363677, Orphanet 79091, MedGen C1854106, MONDO:0011577, OMIM 605637.

Allele frequency attached by ClinVar (database versions not stated): gnomAD exomes below 0.00001; 1000 Genomes Project 30x 0.00016; 1000 Genomes Project 0.00020.
gnomAD v4.1: 4 of 1,614,186 alleles (0.00025%); highest among the groups gnomAD compares: African/African-American, 0.0013%; no homozygotes.

Submission:

Labcorp Genetics (formerly Invitae), Labcorp
Classification: Uncertain significance for Myopathy, proximal, and ophthalmoplegia. Last evaluated: 2022-01-15. Review status: criteria provided, single submitter. Criteria: Invitae Variant Classification Sherloc (09022015). Collection method: clinical testing. Allele origin: germline.
Comment: This sequence change replaces glutamic acid, which is acidic and polar, with lysine, which is basic and polar, at codon 1320 of the MYH2 protein (p.Glu1320Lys). This variant is not present in population databases (gnomAD no frequency). This variant has not been reported in the literature in individuals affected with MYH2-related conditions. Algorithms developed to predict the effect of missense changes on protein structure and function (SIFT, PolyPhen-2, Align-GVGD) all suggest that this variant is likely to be disruptive. In summary, the available evidence is currently insufficient to determine the role of this variant in disease. Therefore, it has been classified as a Variant of Uncertain Significance.